The following is an entry in ClinVar:

NM_016122.3(CEP83):c.1344G>C (p.Arg448Ser)

Gene: CEP83 (centrosomal protein 83; minus strand). Cytogenetic location: 12q22.
Variant type: single nucleotide variant.
Coding change: c.1344G>C on transcript NM_016122.3 (MANE Select); coding-DNA position 1344, G replaced by C.
Protein change: p.Arg448Ser; replaces arginine 448 with serine.
Molecular consequence: missense variant. On other transcripts: non-coding transcript variant (2).
Genome position (GRCh38, 1-based): chr12:94,335,664, C>G on the plus strand (G>C on the coding strand, the complement: CEP83 is on the minus strand). VCF-style: chr12-94335664-C-G. GRCh37 (hg19) VCF-style: chr12-94729440-C-G.
Other names: c.1344G>C, p.Arg448Ser (NM_001042399.2, NM_001346457.2, NM_001368037.1 and 1 more transcripts); c.1032G>C, p.Arg344Ser (NM_001346458.2, NM_001346459.2, NM_001368039.1 and 1 more transcripts); c.1119G>C, p.Arg373Ser (NM_001368041.1); c.1344G>C (NM_016122.2); short protein forms R344S, R373S, R448S.
Identifiers: ClinVar variation 1058534 (VCV001058534.10), dbSNP rs901969513, ClinGen allele CA242058357.

ClinVar aggregate classification (germline): Uncertain significance. Review status: criteria provided, multiple submitters, no conflicts (2 of 4 stars). 2 submissions from 2 submitters: Uncertain significance (2). Last evaluated 2025-11-03.

Conditions:
Inborn genetic diseases. Identifiers: MedGen C0950123, MeSH D030342.
Nephronophthisis 18 (NPHP18). Identifiers: Orphanet 655, MedGen C3890591, MONDO:0014374, OMIM 615862.

Allele frequency attached by ClinVar (database versions not stated): TOPMed below 0.00001.
gnomAD v4.1: 2 of 1,570,826 alleles (0.00013%); highest among the groups gnomAD compares: African/African-American, 0.0027%; no homozygotes.

Submissions (2):

Ambry Genetics
Classification: Uncertain significance for Inborn genetic diseases. Last evaluated: 2025-11-03. Review status: criteria provided, single submitter. Criteria: Ambry Variant Classification Scheme 2023. Collection method: clinical testing. Allele origin: germline.

Labcorp Genetics (formerly Invitae), Labcorp
Classification: Uncertain significance for Nephronophthisis 18. Last evaluated: 2022-06-27. Review status: criteria provided, single submitter. Criteria: Invitae Variant Classification Sherloc (09022015). Collection method: clinical testing. Allele origin: germline.
Comment: In summary, the available evidence is currently insufficient to determine the role of this variant in disease. Therefore, it has been classified as a Variant of Uncertain Significance. Algorithms developed to predict the effect of sequence changes on RNA splicing suggest that this variant may disrupt the consensus splice site. Algorithms developed to predict the effect of missense changes on protein structure and function are either unavailable or do not agree on the potential impact of this missense change (SIFT: "Not Available"; PolyPhen-2: "Probably Damaging"; Align-GVGD: "Not Available"). ClinVar contains an entry for this variant (Variation ID: 1058534). This variant has not been reported in the literature in individuals affected with CEP83-related conditions. This variant is not present in population databases (gnomAD no frequency). This sequence change replaces arginine, which is basic and polar, with serine, which is neutral and polar, at codon 448 of the CEP83 protein (p.Arg448Ser).